The following is an entry in ClinVar:

ClinVar aggregate classification (germline): Uncertain significance (1 of 4 stars; one submission).

Submission:

Labcorp Genetics (formerly Invitae), Labcorp
Classification: Uncertain significance. Last evaluated: 2023-07-17. Review status: criteria provided, single submitter. Criteria: Invitae Variant Classification Sherloc (09022015). Collection method: clinical testing. Allele origin: germline.
Comment: In summary, the available evidence is currently insufficient to determine the role of this variant in disease. Therefore, it has been classified as a Variant of Uncertain Significance. ClinVar contains an entry for this variant (Variation ID: 2113038). This variant has not been reported in the literature in individuals affected with LRP5-related conditions. This variant is present in population databases (no rsID available, gnomAD 0.06%). This variant, c.4694_4735dup, results in the insertion of 14 amino acid(s) of the LRP5 protein (p.Thr1578_Pro1579ins14), but otherwise preserves the integrity of the reading frame.

NM_002335.4(LRP5):c.4694_4735dup (p.Thr1578_Pro1579insHisLeuAsnSerAspSerAspProTyrProProProProThr)

Gene: LRP5 (LDL receptor related protein 5; plus strand). Cytogenetic location: 11q13.2.
Variant type: Duplication.
Coding change: c.4694_4735dup on transcript NM_002335.4 (MANE Select); coding-DNA positions 4694 to 4735, 42 bases duplicated.
Protein change: p.Thr1578_Pro1579insHisLeuAsnSerAspSerAspProTyrProProProProThr.
Molecular consequence: inframe insertion.
Genome position (GRCh38, 1-based): chr11:68,448,916-68,448,957, 42 bases duplicated. GRCh37 (hg19): chr11:68,216,384-68,216,425.
Other names: c.2951_2992dup, p.Thr997_Pro998insHisLeuAsnSerAspSerAspProTyrProProProProThr (NM_001291902.2).
Identifiers: ClinVar variation 2113038 (VCV002113038.4), dbSNP rs1460072173, ClinGen allele CA600239277.